The following is an entry in ClinVar:

ClinVar aggregate classification (germline): Uncertain significance (1 of 4 stars; one submission).

Conditions:
Hereditary spastic paraplegia 3A (SPG3A). Also called: SPASTIC PARAPLEGIA 3, AUTOSOMAL DOMINANT; FAMILIAL SPASTIC PARAPLEGIA, AUTOSOMAL DOMINANT, 1; SPG3; STRUMPELL DISEASE; Spastic Paraplegia 3A; Spastic paraplegia 3A, autosomal dominant. Identifiers: Orphanet 100984, MedGen C2931355, MONDO:0008437, OMIM 182600.

Submission:

Labcorp Genetics (formerly Invitae), Labcorp
Classification: Uncertain significance for Hereditary spastic paraplegia 3A. Last evaluated: 2025-09-22. Review status: criteria provided, single submitter. Criteria: Invitae Variant Classification Sherloc (09022015). Collection method: clinical testing. Allele origin: germline.
Comment: This sequence change replaces valine, which is neutral and non-polar, with alanine, which is neutral and non-polar, at codon 142 of the ATL1 protein (p.Val142Ala). This variant is not present in population databases (gnomAD no frequency). This variant has not been reported in the literature in individuals affected with ATL1-related conditions. Invitae Evidence Modeling of protein sequence and biophysical properties (such as structural, functional, and spatial information, amino acid conservation, physicochemical variation, residue mobility, and thermodynamic stability) indicates that this missense variant is expected to disrupt ATL1 protein function with a positive predictive value of 95%. In summary, the available evidence is currently insufficient to determine the role of this variant in disease. Therefore, it has been classified as a Variant of Uncertain Significance.

NM_015915.5(ATL1):c.425T>C (p.Val142Ala)

Gene: ATL1 (atlastin GTPase 1; plus strand). Cytogenetic location: 14q22.1.
Variant type: single nucleotide variant.
Coding change: c.425T>C on transcript NM_015915.5 (MANE Select); coding-DNA position 425, T replaced by C.
Protein change: p.Val142Ala; replaces valine 142 with alanine.
Molecular consequence: missense variant.
Genome position (GRCh38, 1-based): chr14:50,591,542, T>C. VCF-style: chr14-50591542-T-C. GRCh37 (hg19) VCF-style: chr14-51058260-T-C.
Other names: c.425T>C, p.Val142Ala (NM_001127713.1, NM_181598.4); short protein forms V142A.
Identifiers: ClinVar variation 4709886 (VCV004709886.1).
Genomic context (GRCh38, chr14:50,591,542, plus strand): 5'-TAATGACCTAGATGTTCTATAAAATATCAATAATGTACTCTTCTTGCCTGTAGGTTGCAG[T>C]GTTATTGATGGATACTCAGGGAACCTTTGATAGTCAGTCAACTTTGAGAGATTCAGCCAC-3'
Protein context (NP_056999.2, residues 132-152): INKPDGKKVA[Val142Ala]LLMDTQGTFD